The following is an entry in ClinVar:

ClinVar aggregate classification (germline): Pathogenic (1 of 4 stars; one submission).

Submission:

Labcorp Genetics (formerly Invitae), Labcorp
Classification: Pathogenic. Last evaluated: 2021-05-31. Review status: criteria provided, single submitter. Criteria: Invitae Variant Classification Sherloc (09022015). Collection method: clinical testing. Allele origin: germline.
Comment: This sequence change creates a premature translational stop signal (p.Gln336*) in the F11 gene. It is expected to result in an absent or disrupted protein product. Loss-of-function variants in F11 are known to be pathogenic (PMID: 23929304). This variant is not present in population databases (ExAC no frequency). This variant has not been reported in the literature in individuals with F11-related conditions. For these reasons, this variant has been classified as Pathogenic.

Literature cited by the submitters: PubMed 23929304.

NM_000128.4(F11):c.1006C>T (p.Gln336Ter)

Gene: F11 (coagulation factor XI; plus strand). Cytogenetic location: 4q35.2.
Variant type: single nucleotide variant.
Coding change: c.1006C>T on transcript NM_000128.4 (MANE Select); coding-DNA position 1006, C replaced by T.
Protein change: p.Gln336Ter; replaces glutamine 336 with a stop codon.
Molecular consequence: nonsense.
Genome position (GRCh38, 1-based): chr4:186,280,363, C>T. VCF-style: chr4-186280363-C-T. GRCh37 (hg19) VCF-style: chr4-187201517-C-T.
Other names: short protein forms Q336*.
Identifiers: ClinVar variation 1367768 (VCV001367768.6), dbSNP rs2126758583, ClinGen allele CA358938395.